The following is an entry in ClinVar:

ClinVar aggregate classification (germline): Uncertain significance (1 of 4 stars; one submission).

Allele frequency attached by ClinVar (database versions not stated): gnomAD exomes 0.00004; TOPMed 0.00006; gnomAD 0.00007; ExAC 0.00008.
gnomAD v4.1: 67 of 1,597,834 alleles (0.0042%); highest among the groups gnomAD compares: African/African-American, 0.014%; no homozygotes.

Submission:

Labcorp Genetics (formerly Invitae), Labcorp
Classification: Uncertain significance. Last evaluated: 2025-09-01. Review status: criteria provided, single submitter. Criteria: Invitae Variant Classification Sherloc (09022015). Collection method: clinical testing. Allele origin: germline.
Comment: This sequence change replaces valine, which is neutral and non-polar, with isoleucine, which is neutral and non-polar, at codon 684 of the MYLK3 protein (p.Val684Ile). This variant is present in population databases (rs766750211, gnomAD 0.01%). This variant has not been reported in the literature in individuals affected with MYLK3-related conditions. ClinVar contains an entry for this variant (Variation ID: 2078778). An algorithm developed to predict the effect of missense changes on protein structure and function (PolyPhen-2) suggests that this variant is likely to be disruptive. In summary, the available evidence is currently insufficient to determine the role of this variant in disease. Therefore, it has been classified as a Variant of Uncertain Significance.

NM_182493.3(MYLK3):c.2050G>A (p.Val684Ile)

Gene: MYLK3 (myosin light chain kinase 3; minus strand). Cytogenetic location: 16q11.2.
Variant type: single nucleotide variant.
Coding change: c.2050G>A on transcript NM_182493.3 (MANE Select); coding-DNA position 2050, G replaced by A.
Protein change: p.Val684Ile; replaces valine 684 with isoleucine.
Molecular consequence: missense variant.
Genome position (GRCh38, 1-based): chr16:46,712,712, C>T on the plus strand (G>A on the coding strand, the complement: MYLK3 is on the minus strand). VCF-style: chr16-46712712-C-T. GRCh37 (hg19) VCF-style: chr16-46746624-C-T.
Other names: c.1027G>A, p.Val343Ile (NM_001308301.1); short protein forms V343I, V684I.
Identifiers: ClinVar variation 2078778 (VCV002078778.4), dbSNP rs766750211, ClinGen allele CA8037750.